The following is an entry in ClinVar:

NM_015386.3(COG4):c.2082G>A (p.Val694=)

Gene: COG4 (component of oligomeric golgi complex 4; minus strand). Cytogenetic location: 16q22.1.
Variant type: single nucleotide variant.
Coding change: c.2082G>A on transcript NM_015386.3 (MANE Select); coding-DNA position 2082, G replaced by A.
Protein change: p.Val694=; no amino-acid change (valine 694 retained).
Molecular consequence: synonymous variant. On other transcripts: non-coding transcript variant (1).
Genome position (GRCh38, 1-based): chr16:70,481,788, C>T on the plus strand (G>A on the coding strand, the complement: COG4 is on the minus strand). VCF-style: chr16-70481788-C-T. GRCh37 (hg19) VCF-style: chr16-70515691-C-T.
Other names: c.2007G>A, p.Val669= (NM_001195139.2); c.1656G>A, p.Val552= (NM_001365426.1).
Identifiers: ClinVar variation 5039062 (VCV005039062.1).

ClinVar aggregate classification (germline): Likely benign (1 of 4 stars; one submission).

gnomAD v4.1: 162 of 1,614,020 alleles (0.01%); highest among the groups gnomAD compares: South Asian, 0.17%; no homozygotes.

Submission:

CeGaT Center for Human Genetics Tuebingen
Classification: Likely benign. Last evaluated: 2026-07-01. Review status: criteria provided, single submitter. Criteria: CeGaT Center For Human Genetics Tuebingen Variant Classification Criteria Version 2. Collection method: clinical testing. Allele origin: germline. Affected: yes. Observed: 1 variant allele.
Comment: COG4: BP4, BP7